The following is an entry in ClinVar:

ClinVar aggregate classification (germline): Uncertain significance (1 of 4 stars; one submission).

Submission:

Labcorp Genetics (formerly Invitae), Labcorp
Classification: Uncertain significance. Last evaluated: 2021-04-03. Review status: criteria provided, single submitter. Criteria: Invitae Variant Classification Sherloc (09022015). Collection method: clinical testing. Allele origin: germline.
Comment: In summary, the available evidence is currently insufficient to determine the role of this variant in disease. Therefore, it has been classified as a Variant of Uncertain Significance. Advanced modeling of protein sequence and biophysical properties (such as structural, functional, and spatial information, amino acid conservation, physicochemical variation, residue mobility, and thermodynamic stability) performed at Invitae indicates that this missense variant is expected to disrupt KMT2A protein function. This variant has not been reported in the literature in individuals with KMT2A-related conditions. This variant is not present in population databases (ExAC no frequency). This sequence change replaces threonine with asparagine at codon 2097 of the KMT2A protein (p.Thr2097Asn). The threonine residue is moderately conserved and there is a small physicochemical difference between threonine and asparagine.

NM_001197104.2(KMT2A):c.6290C>A (p.Thr2097Asn)

Gene: KMT2A (lysine methyltransferase 2A; plus strand). Cytogenetic location: 11q23.3.
Variant type: single nucleotide variant.
Coding change: c.6290C>A on transcript NM_001197104.2 (MANE Select); coding-DNA position 6290, C replaced by A.
Protein change: p.Thr2097Asn; replaces threonine 2097 with asparagine.
Molecular consequence: missense variant.
Genome position (GRCh38, 1-based): chr11:118,501,118, C>A. VCF-style: chr11-118501118-C-A. GRCh37 (hg19) VCF-style: chr11-118371833-C-A.
Other names: c.6281C>A, p.Thr2094Asn (NM_005933.4); short protein forms T2097N, T2094N.
Identifiers: ClinVar variation 1522761 (VCV001522761.8), dbSNP rs1447733910, ClinGen allele CA382801263.